The following is an entry in ClinVar:

NM_000228.3(LAMB3):c.1486-22_1489delinsCCCCTGT

Gene: LAMB3 (laminin subunit beta 3; minus strand). Cytogenetic location: 1q32.2.
Variant type: Indel.
Coding change: c.1486-22_1489delinsCCCCTGT on transcript NM_000228.3 (MANE Select); 22 bases into the intron before coding-DNA position 1486 through coding-DNA position 1489, TGACGGTGCTCTCCCCACGCAGTTCA replaced by CCCCTGT.
Molecular consequence: splice acceptor variant.
Genome position (GRCh38, 1-based): chr1:209,626,975-209,627,000, TGAACTGCGTGGGGAGAGCACCGTCA replaced by ACAGGGG on the plus strand (TGACGGTGCTCTCCCCACGCAGTTCA replaced by CCCCTGT on the coding strand, the reverse complement: LAMB3 is on the minus strand). GRCh37 (hg19): chr1:209,800,320-209,800,345.
Other names: c.1486-22_1489delinsCCCCTGT (NM_001127641.1, NM_001017402.2).
Identifiers: ClinVar variation 5005637 (VCV005005637.2).

ClinVar aggregate classification (germline): Likely pathogenic (1 of 4 stars; one submission).

Conditions:
Amelogenesis imperfecta type 1A. Also called: AMELOGENESIS IMPERFECTA, HYPOPLASTIC TYPE IA; Amelogenesis imperfecta local hypoplastic; Amelogenesis imperfecta, hypoplastic type; Amelogenesis imperfecta, type IA. Identifiers: Orphanet 88661, MedGen C4011403, MONDO:0007094, OMIM 104530.
Junctional epidermolysis bullosa, non-Herlitz type. Also called: EPIDERMOLYSIS BULLOSA, JUNCTIONAL 1A, INTERMEDIATE; Adult junctional epidermolysis bullosa; Epidermolysis bullosa, junctional, non-herlitz type, somatic mosaic revertant; EPIDERMOLYSIS BULLOSA JUNCTIONALIS, DISENTIS TYPE; EPIDERMOLYSIS BULLOSA JUNCTIONALIS, NON-HERLITZ TYPE; EPIDERMOLYSIS BULLOSA JUNCTIONALIS, PROGRESSIVE. Identifiers: Orphanet 251393, Orphanet 79402, Orphanet 79405, Orphanet 89840, MedGen C0268374, MONDO:0009180, OMIM 226650.
Junctional epidermolysis bullosa gravis of Herlitz. Also called: EPIDERMOLYSIS BULLOSA, JUNCTIONAL 1B, SEVERE; Epidermolysis Bullosa Letalis; EPIDERMOLYSIS BULLOSA JUNCTIONALIS, HERLITZ TYPE; EPIDERMOLYSIS BULLOSA, JUNCTIONAL, HERLITZ-PEARSON TYPE; Herlitz-type junctional epidermolysis bullosa; JEB-HERLITZ TYPE. Identifiers: Orphanet 79404, MedGen C0079683, MONDO:0009182, OMIM 226700.

Submission:

Juno Genomics, Hangzhou Juno Genomics, Inc
Classification: Likely pathogenic for Amelogenesis imperfecta type 1A; Junctional epidermolysis bullosa, non-Herlitz type; Junctional epidermolysis bullosa gravis of Herlitz. Review status: criteria provided, single submitter. Criteria: ACMG Guidelines, 2015. Collection method: clinical testing. Allele origin: germline.
Comment: Null variant in a gene where loss of function (LOF) is a known mechanism of disease.;Absent from controls (or at extremely low frequency if recessive) in Genome Aggregation Database.